The following is an entry in ClinVar:

ClinVar aggregate classification (germline): Pathogenic. Review status: criteria provided, multiple submitters, no conflicts (2 of 4 stars). 3 submissions from 3 submitters: Pathogenic (3). Last evaluated 2024-11-12.

Conditions:
Brain small vessel disease 1 with or without ocular anomalies (BSVD1). Also called: PORENCEPHALY, TYPE 1, AUTOSOMAL DOMINANT; GOULD SYNDROME 1; BRAIN SMALL VESSEL DISEASE WITH HEMORRHAGE; Brain small vessel disease with or without ocular anomalies. Identifiers: Orphanet 2940, Orphanet 36383, Orphanet 99810, MedGen C4755307, MONDO:0008289, OMIM 175780.

Allele frequency attached by ClinVar (database versions not stated): gnomAD exomes below 0.00001.
gnomAD v4.1: 1 of 1,613,740 alleles (0.000062%); highest among the groups gnomAD compares: Non-Finnish European, 0.000085%; no homozygotes.

Submissions (3):

GeneDx
Classification: Pathogenic. Last evaluated: 2024-11-12. Review status: criteria provided, single submitter. Criteria: GeneDx Variant Classification Process June 2021. Collection method: clinical testing. Allele origin: germline. Affected: yes.
Comment: Affects a glycine residue in a Gly-X-Y motif in the triple helical region of the COL4A1 gene, where the majority of pathogenic missense variants occur, and is predicted to disrupt normal protein folding and function (HGMD; PMID: 22522439, 23225343); Not observed at significant frequency in large population cohorts (gnomAD); In silico analysis supports that this missense variant has a deleterious effect on protein structure/function; This variant is associated with the following publications: (PMID: 30413629, 22522439, 23225343, 35699195)

Labcorp Genetics (formerly Invitae), Labcorp
Classification: Pathogenic. Last evaluated: 2023-08-30. Review status: criteria provided, single submitter. Criteria: Invitae Variant Classification Sherloc (09022015). Collection method: clinical testing. Allele origin: germline.
Comment: ClinVar contains an entry for this variant (Variation ID: 420899). For these reasons, this variant has been classified as Pathogenic. This variant disrupts the triple helix domain of COL4A1. Glycine residues within the Gly-Xaa-Yaa repeats of the triple helix domain are required for the structure and stability of fibrillar collagens (PMID: 7695699, 8218237, 19344236). In COL4A1 variants affecting these glycine residues are significantly enriched in individuals with disease (PMID: 9016532, 17078022) compared to the general population (ExAC). An algorithm developed to predict the effect of missense changes on protein structure and function (PolyPhen-2) suggests that this variant is likely to be disruptive. This missense change has been observed in individual(s) with COL4A1-related conditions (PMID: 30413629). In at least one individual the variant was observed to be de novo. This variant is not present in population databases (gnomAD no frequency). This sequence change replaces glycine, which is neutral and non-polar, with serine, which is neutral and polar, at codon 601 of the COL4A1 protein (p.Gly601Ser).

Neuberg Centre For Genomic Medicine, NCGM
Classification: Pathogenic for Brain small vessel disease 1 with or without ocular anomalies. Review status: criteria provided, single submitter. Criteria: ACMG Guidelines, 2015. Collection method: clinical testing. Allele origin: germline. Inheritance: Autosomal dominant inheritance. Affected: yes.
Comment: The observed missense variant c.1801G>A (p.Gly601Ser) in COL4A1 gene has been reported previously in a triple helix domain in heterozygous state in two individuals affected with COL4A1 related disorder (Zagaglia S et al. 2018). The p.Gly601Ser variant is absent in gnomAD Exomes. This variant disrupts the triple helix domain of COL4A1. Glycine residues within the Gly-Xaa-Yaa repeats of the triple helix domain are required for the structure and stability of fibrillar collagens (Shoulders MD et al. 2009). In COL4A1 variants affecting these glycine residues are significantly enriched in individuals with disease (Dalgleish R. et al. 1997). This variant has been submitted to the ClinVar database as Likely Pathogenic / Pathogenic. The amino acid change p.Gly601Ser in COL4A1 is predicted as conserved by GERP++ and PhyloP across 100 vertebrates. Multiple lines of computational evidence predicts a damaging effect on protein structure and function for this variant (Polyphen - probably damaging; Sift - damaging; Mutation Taster - disease causing). The amino acid Gly at position 601 is changed to a Ser changing protein sequence and it might alter its composition and physico-chemical properties. For these reasons, this variant has been classified as Pathogenic.

Literature cited by the submitters: PubMed 7695699 (cited by Labcorp Genetics (formerly Invitae), Labcorp); PubMed 8218237 (cited by Labcorp Genetics (formerly Invitae), Labcorp); PubMed 19344236 (cited by Labcorp Genetics (formerly Invitae), Labcorp); PubMed 9016532 (cited by Labcorp Genetics (formerly Invitae), Labcorp); PubMed 17078022 (cited by Labcorp Genetics (formerly Invitae), Labcorp); PubMed 30413629 (cited by Labcorp Genetics (formerly Invitae), Labcorp).

NM_001845.6(COL4A1):c.1801G>A (p.Gly601Ser)

Gene: COL4A1 (collagen type IV alpha 1 chain; minus strand). Cytogenetic location: 13q34.
Variant type: single nucleotide variant.
Coding change: c.1801G>A on transcript NM_001845.6 (MANE Select); coding-DNA position 1801, G replaced by A.
Protein change: p.Gly601Ser; replaces glycine 601 with serine.
Molecular consequence: missense variant.
Genome position (GRCh38, 1-based): chr13:110,186,481, C>T on the plus strand (G>A on the coding strand, the complement: COL4A1 is on the minus strand). VCF-style: chr13-110186481-C-T. GRCh37 (hg19) VCF-style: chr13-110838828-C-T.
Other names: short protein forms G601S.
Identifiers: ClinVar variation 420899 (VCV000420899.8), dbSNP rs1064794777, ClinGen allele CA16619615.